The following is an entry in ClinVar:

NM_000540.3(RYR1):c.9671C>G (p.Pro3224Arg)

Gene: RYR1 (ryanodine receptor 1; plus strand). Cytogenetic location: 19q13.2.
Variant type: single nucleotide variant.
Coding change: c.9671C>G on transcript NM_000540.3 (MANE Select); coding-DNA position 9671, C replaced by G.
Protein change: p.Pro3224Arg; replaces proline 3224 with arginine.
Molecular consequence: missense variant.
Genome position (GRCh38, 1-based): chr19:38,516,203, C>G. VCF-style: chr19-38516203-C-G. GRCh37 (hg19) VCF-style: chr19-39006843-C-G.
Other names: c.9671C>G, p.Pro3224Arg (NM_001042723.2); short protein forms P3224R.
Identifiers: ClinVar variation 1055392 (VCV001055392.10), dbSNP rs373626870, ClinGen allele CA308129036.

ClinVar aggregate classification (germline): Uncertain significance. Review status: criteria provided, multiple submitters, no conflicts (2 of 4 stars). 2 submissions from 2 submitters: Uncertain significance (2). Last evaluated 2024-05-30.

Conditions:
RYR1-related disorder. Also called: RYR1-related disorders; RYR1-related condition. Identifiers: MedGen CN239331.
Malignant hyperthermia, susceptibility to, 1 (MHS1). Also called: Anesthesia related hyperthermia; Malignant hyperpyrexia; Fulminating hyperpyrexia; Pharmacogenic myopathy; RYR1-Related Malignant Hyperthermia Susceptibility; Malignant hyperthermia suceptibility 1. Identifiers: Orphanet 423, MedGen C2930980, MONDO:0007783, OMIM 145600.

gnomAD v4.1: 2 of 1,583,350 alleles (0.00013%); highest among the groups gnomAD compares: African/African-American, 0.0027%; no homozygotes.

Submissions (2):

All of Us Research Program, National Institutes of Health
Classification: Uncertain significance for Malignant hyperthermia, susceptibility to, 1. Last evaluated: 2024-05-30. Review status: criteria provided, single submitter. Criteria: ACMG Guidelines, 2015. Collection method: clinical testing. Allele origin: germline. Inheritance: Autosomal dominant inheritance. Observed: 1 variant allele, 1 heterozygote.
Comment: This missense variant replaces proline with arginine at codon 3224 of the RYR1 protein. Computational prediction is inconclusive regarding the impact of this variant on protein structure and function (internally defined REVEL score threshold 0.5 < inconclusive < 0.7, PMID: 27666373). To our knowledge, functional studies have not been reported for this variant. This variant has not been reported in individuals affected with RYR1-related disorders in the literature. This variant has not been identified in the general population by the Genome Aggregation Database (gnomAD). The available evidence is insufficient to determine the role of this variant in disease conclusively. Therefore, this variant is classified as a Variant of Uncertain Significance.

This study involves interpretation of variants in research participants for the purpose of population health screening. Participant phenotype was not available at the time of variant classification. Additional details can be found in publication PMID: 35346344, PMCID: PMC8962531

Labcorp Genetics (formerly Invitae), Labcorp
Classification: Uncertain significance for RYR1-related disorder. Last evaluated: 2022-02-03. Review status: criteria provided, single submitter. Criteria: Invitae Variant Classification Sherloc (09022015). Collection method: clinical testing. Allele origin: germline.
Comment: ClinVar contains an entry for this variant (Variation ID: 1055392). In summary, the available evidence is currently insufficient to determine the role of this variant in disease. Therefore, it has been classified as a Variant of Uncertain Significance. Advanced modeling of protein sequence and biophysical properties (such as structural, functional, and spatial information, amino acid conservation, physicochemical variation, residue mobility, and thermodynamic stability) performed at Invitae indicates that this missense variant is not expected to disrupt RYR1 protein function. This variant has not been reported in the literature in individuals affected with RYR1-related conditions. This variant is not present in population databases (gnomAD no frequency). This sequence change replaces proline, which is neutral and non-polar, with arginine, which is basic and polar, at codon 3224 of the RYR1 protein (p.Pro3224Arg).